The following is an entry in ClinVar:

NM_000051.4(ATM):c.8424G>A (p.Val2808=)

Genes: ATM (ATM serine/threonine kinase; plus strand), C11orf65 (chromosome 11 open reading frame 65; minus strand). Cytogenetic location: 11q22.3.
Variant type: single nucleotide variant.
Coding change: c.8424G>A on transcript NM_000051.4 (MANE Select); coding-DNA position 8424, G replaced by A.
Protein change: p.Val2808=; no amino-acid change (valine 2808 retained).
Molecular consequence: synonymous variant. On other transcripts: intron variant (2).
Genome position (GRCh38, 1-based): chr11:108,345,748, G>A. VCF-style: chr11-108345748-G-A. GRCh37 (hg19) VCF-style: chr11-108216475-G-A.
Other names: c.8424G>A, p.Val2808= (NM_001351834.2); c.641-36677C>T (NM_001330368.2); c.695-10456C>T (NM_001351110.2).
Identifiers: ClinVar variation 1763330 (VCV001763330.5), dbSNP rs786203870, ClinGen allele CA476673049.

ClinVar aggregate classification (germline): Conflicting classifications of pathogenicity. Review status: criteria provided, conflicting classifications (1 of 4 stars). 3 submissions from 3 submitters: Uncertain significance (1); Benign (1); Likely benign (1). Last evaluated 2024-12-16.

Conditions:
Hereditary cancer-predisposing syndrome. Also called: Hereditary neoplastic syndrome; Neoplastic Syndromes, Hereditary; Tumor predisposition; Hereditary Cancer Syndrome. Identifiers: Orphanet 140162, MedGen C0027672, MeSH D009386, MONDO:0015356.
Ataxia-telangiectasia syndrome (AT). Also called: Ataxia telangiectasia (A-T); LOUIS-BAR SYNDROME; Cerebello-oculocutaneous telangiectasia; Immunodeficiency with ataxia telangiectasia; Ataxia-telangiectasia, complementation group D; AT, COMPLEMENTATION GROUP C. Identifiers: Orphanet 100, MedGen C0004135, MONDO:0008840, OMIM 208900.
Familial cancer of breast. Also called: Hereditary breast cancer; hereditary breast carcinoma; BREAST CANCER, FAMILIAL. Identifiers: Orphanet 227535, MedGen C0346153, MONDO:0016419, OMIM 114480. Disease mechanism: loss of function.

Submissions (3):

Labcorp Genetics (formerly Invitae), Labcorp
Classification: Likely benign for Ataxia-telangiectasia syndrome. Last evaluated: 2024-12-16. Review status: criteria provided, single submitter. Criteria: Invitae Variant Classification Sherloc (09022015). Collection method: clinical testing. Allele origin: germline.

Myriad Genetics, Inc.
Classification: Benign for Familial cancer of breast. Last evaluated: 2024-06-20. Review status: criteria provided, single submitter. Criteria: Myriad Autosomal Dominant, Autosomal Recessive and X-Linked Classification Criteria (2023). Collection method: clinical testing. Allele origin: unknown.
Comment: This variant is considered benign. This variant is a silent/synonymous amino acid change and it is not expected to impact splicing.

Ambry Genetics
Classification: Uncertain significance for Hereditary cancer-predisposing syndrome. Last evaluated: 2017-11-07. Review status: criteria provided, single submitter. Criteria: Ambry Variant Classification Scheme 2023. Collection method: clinical testing. Allele origin: germline.
Comment: The c.8424G>A variant (also known as p.V2808V), located in coding exon 57, results from a G to A substitution at nucleotide position 8424 of the ATM gene. This nucleotide substitution does not change the amino acid at codon 2808. This nucleotide position is poorl conserved in available vertebrate species. Using the BDGP and ESEfinder splice site prediction tools, this alteration is predicted to create a new alternate splice donor site; however, direct evidence is unavailable. Since supporting evidence is limited at this time, the clinical significance of this alteration remains unclear.